The following is an entry in ClinVar:

NM_001367624.2(ZNF469):c.4745G>A (p.Arg1582His)

Gene: ZNF469 (zinc finger protein 469; plus strand). Cytogenetic location: 16q24.2.
Variant type: single nucleotide variant.
Coding change: c.4745G>A on transcript NM_001367624.2 (MANE Select); coding-DNA position 4745, G replaced by A.
Protein change: p.Arg1582His; replaces arginine 1582 with histidine.
Molecular consequence: missense variant.
Genome position (GRCh38, 1-based): chr16:88,432,215, G>A. VCF-style: chr16-88432215-G-A. GRCh37 (hg19) VCF-style: chr16-88498623-G-A.
Other names: NM_001127464.1:c.4661G>A; short protein forms R1582H.
Identifiers: ClinVar variation 1302266 (VCV001302266.5), dbSNP rs758312819, ClinGen allele CA8224999.

ClinVar aggregate classification (germline): Conflicting classifications of pathogenicity. Review status: criteria provided, conflicting classifications (1 of 4 stars). 3 submissions from 3 submitters: Uncertain significance (2); Likely benign (1). Last evaluated 2025-08-06.

Conditions:
Cardiovascular phenotype. Identifiers: MedGen CN230736.

Allele frequency attached by ClinVar (database versions not stated): gnomAD exomes 0.00001 and 0.00002; gnomAD 0.00005; TOPMed 0.00008.
gnomAD v4.1: 36 of 1,549,878 alleles (0.0023%); highest among the groups gnomAD compares: African/African-American, 0.011%; no homozygotes.

Submissions (3):

Labcorp Genetics (formerly Invitae), Labcorp
Classification: Uncertain significance. Last evaluated: 2025-08-06. Review status: criteria provided, single submitter. Criteria: Invitae Variant Classification Sherloc (09022015). Collection method: clinical testing. Allele origin: germline.
Comment: This sequence change replaces arginine, which is basic and polar, with histidine, which is basic and polar, at codon 1554 of the ZNF469 protein (p.Arg1554His). This variant is present in population databases (rs758312819, gnomAD 0.007%). This variant has not been reported in the literature in individuals affected with ZNF469-related conditions. ClinVar contains an entry for this variant (Variation ID: 1302266). An algorithm developed to predict the effect of missense changes on protein structure and function outputs the following: PolyPhen-2: "Benign". The histidine amino acid residue is found in multiple mammalian species, which suggests that this missense change does not adversely affect protein function. In summary, the available evidence is currently insufficient to determine the role of this variant in disease. Therefore, it has been classified as a Variant of Uncertain Significance.

Ambry Genetics
Classification: Likely benign for Cardiovascular phenotype. Last evaluated: 2021-10-13. Review status: criteria provided, single submitter. Criteria: Ambry Variant Classification Scheme 2023. Collection method: clinical testing. Allele origin: germline.

GeneDx
Classification: Uncertain significance. Last evaluated: 2019-07-09. Review status: criteria provided, single submitter. Criteria: GeneDx Variant Classification Process June 2021. Collection method: clinical testing. Allele origin: germline. Affected: yes.